The following is an entry in ClinVar:

ClinVar aggregate classification (germline): Uncertain significance. Review status: criteria provided, multiple submitters, no conflicts (2 of 4 stars). 3 submissions from 3 submitters: Uncertain significance (3). Last evaluated 2024-09-05.

Conditions:
Type A2 brachydactyly (BDA2). Also called: BRACHYMESOPHALANGY II; Brachymesophalangy type 2; MOHR-WRIEDT TYPE BRACHYDACTYLY. Identifiers: Orphanet 93396, MedGen C1832702, MONDO:0007216, OMIM 112600, HP:0009372.
Acromesomelic dysplasia 3 (AMD3). Also called: CHONDRODYSPLASIA, ACROMESOMELIC, WITH OR WITHOUT GENITAL ANOMALIES; Acromesomelic dysplasia, Demirhan type. Identifiers: MedGen C4225404, MONDO:0012274, OMIM 609441.

Allele frequency attached by ClinVar (database versions not stated): gnomAD exomes below 0.00001; ExAC 0.00001; TOPMed 0.00002.
gnomAD v4.1: 5 of 1,612,934 alleles (0.00031%); highest among the groups gnomAD compares: Non-Finnish European, 0.00042%; no homozygotes.

Submissions (3):

Blueprint Genetics
Classification: Uncertain significance. Last evaluated: 2024-09-05. Review status: criteria provided, single submitter. Criteria: ACMG Guidelines, 2015. Collection method: clinical testing. Allele origin: germline.

Labcorp Genetics (formerly Invitae), Labcorp
Classification: Uncertain significance for Type A2 brachydactyly; Acromesomelic dysplasia 3. Last evaluated: 2023-09-24. Review status: criteria provided, single submitter. Criteria: Invitae Variant Classification Sherloc (09022015). Collection method: clinical testing. Allele origin: germline.
Comment: This sequence change replaces threonine, which is neutral and polar, with alanine, which is neutral and non-polar, at codon 24 of the BMPR1B protein (p.Thr24Ala). This variant is present in population databases (rs754365645, gnomAD 0.0009%). This variant has not been reported in the literature in individuals affected with BMPR1B-related conditions. ClinVar contains an entry for this variant (Variation ID: 387086). Advanced modeling of protein sequence and biophysical properties (such as structural, functional, and spatial information, amino acid conservation, physicochemical variation, residue mobility, and thermodynamic stability) performed at Invitae indicates that this missense variant is not expected to disrupt BMPR1B protein function. In summary, the available evidence is currently insufficient to determine the role of this variant in disease. Therefore, it has been classified as a Variant of Uncertain Significance.

GeneDx
Classification: Uncertain significance. Last evaluated: 2020-01-03. Review status: criteria provided, single submitter. Criteria: GeneDx Variant Classification Process June 2021. Collection method: clinical testing. Allele origin: germline. Affected: yes.
Comment: Not observed at a significant frequency in large population cohorts (Lek et al., 2016); In silico analysis, which includes protein predictors and evolutionary conservation, supports that this variant does not alter protein structure/function; Has not been previously published as pathogenic or benign to our knowledge

NM_001203.3(BMPR1B):c.70A>G (p.Thr24Ala)

Gene: BMPR1B (bone morphogenetic protein receptor type 1B; plus strand). Cytogenetic location: 4q22.3.
Variant type: single nucleotide variant.
Coding change: c.70A>G on transcript NM_001203.3 (MANE Select); coding-DNA position 70, A replaced by G.
Protein change: p.Thr24Ala; replaces threonine 24 with alanine.
Molecular consequence: missense variant.
Genome position (GRCh38, 1-based): chr4:95,104,494, A>G. VCF-style: chr4-95104494-A-G. GRCh37 (hg19) VCF-style: chr4-96025645-A-G.
Other names: c.70A>G, p.Thr24Ala (NM_001256792.2, NM_001256794.1); c.160A>G, p.Thr54Ala (NM_001256793.2); short protein forms T24A, T54A.
Identifiers: ClinVar variation 387086 (VCV000387086.7), dbSNP rs754365645, ClinGen allele CA3014868.